The following is an entry in ClinVar:

NM_014244.5(ADAMTS2):c.2713C>T (p.Arg905Cys)

Gene: ADAMTS2 (ADAM metallopeptidase with thrombospondin type 1 motif 2; minus strand). Cytogenetic location: 5q35.3.
Variant type: single nucleotide variant.
Coding change: c.2713C>T on transcript NM_014244.5 (MANE Select); coding-DNA position 2713, C replaced by T.
Protein change: p.Arg905Cys; replaces arginine 905 with cysteine.
Molecular consequence: missense variant.
Genome position (GRCh38, 1-based): chr5:179,126,035, G>A on the plus strand (C>T on the coding strand, the complement: ADAMTS2 is on the minus strand). VCF-style: chr5-179126035-G-A. GRCh37 (hg19) VCF-style: chr5-178553036-G-A.
Other names: short protein forms R905C.
Identifiers: ClinVar variation 1502610 (VCV001502610.5), dbSNP rs760156480, ClinGen allele CA3595458.

ClinVar aggregate classification (germline): Uncertain significance (1 of 4 stars; one submission).

Conditions:
Ehlers-Danlos syndrome, dermatosparaxis type. Also called: Dermatosparaxis; Ehlers-Danlos syndrome, type VII, autosomal recessive; EDS VIIC. Identifiers: Orphanet 1901, MedGen C2700425, MONDO:0009161, OMIM 225410.

Allele frequency attached by ClinVar (database versions not stated): gnomAD exomes below 0.00001 and 0.00001; ExAC 0.00001; gnomAD 0.00001; TOPMed 0.00001.
gnomAD v4.1: 9 of 1,613,342 alleles (0.00056%); highest among the groups gnomAD compares: Admixed American, 0.005%; no homozygotes.

Submission:

Labcorp Genetics (formerly Invitae), Labcorp
Classification: Uncertain significance for Ehlers-Danlos syndrome, dermatosparaxis type. Last evaluated: 2021-09-24. Review status: criteria provided, single submitter. Criteria: Invitae Variant Classification Sherloc (09022015). Collection method: clinical testing. Allele origin: germline.
Comment: This sequence change replaces arginine with cysteine at codon 905 of the ADAMTS2 protein (p.Arg905Cys). The arginine residue is highly conserved and there is a large physicochemical difference between arginine and cysteine. This variant is present in population databases (rs760156480, ExAC 0.009%). This variant has not been reported in the literature in individuals with ADAMTS2-related conditions. Algorithms developed to predict the effect of missense changes on protein structure and function (SIFT, PolyPhen-2, Align-GVGD) all suggest that this variant is likely to be disruptive, but these predictions have not been confirmed by published functional studies and their clinical significance is uncertain. In summary, the available evidence is currently insufficient to determine the role of this variant in disease. Therefore, it has been classified as a Variant of Uncertain Significance.